The following is an entry in ClinVar:

NM_000066.4(C8B):c.1492A>G (p.Lys498Glu)

Gene: C8B (complement C8 beta chain; minus strand). Cytogenetic location: 1p32.2.
Variant type: single nucleotide variant.
Coding change: c.1492A>G on transcript NM_000066.4 (MANE Select); coding-DNA position 1492, A replaced by G.
Protein change: p.Lys498Glu; replaces lysine 498 with glutamic acid.
Molecular consequence: missense variant.
Genome position (GRCh38, 1-based): chr1:56,933,395, T>C on the plus strand (A>G on the coding strand, the complement: C8B is on the minus strand). VCF-style: chr1-56933395-T-C. GRCh37 (hg19) VCF-style: chr1-57399068-T-C.
Other names: c.1336A>G, p.Lys446Glu (NM_001278543.2); c.1306A>G, p.Lys436Glu (NM_001278544.2); c.1492A>G (NM_000066.2); short protein forms K436E, K498E, K446E.
Identifiers: ClinVar variation 1510672 (VCV001510672.5), dbSNP rs200245622, ClinGen allele CA875621.
Genomic context (GRCh38, chr1:56,933,395, plus strand): 5'-CTTTCAGGACAGGGACTCCATTTCCTTGGCAGGGAGCACAGTGGCAGGAACTAACTTCCT[T>C]CTGGAACTCCTCCAGTGCCTGCTTCATGTTCTGCCTCACTGTGCTGGAATAGGCAAAATC-3'
Protein context (NP_000057.3, residues 488-508): NMKQALEEFQ[Lys498Glu]EVSSCHCAPC

ClinVar aggregate classification (germline): Uncertain significance. Review status: criteria provided, multiple submitters, no conflicts (2 of 4 stars). 3 submissions from 3 submitters: Uncertain significance (3). Last evaluated 2022-07-20.

Conditions:
Inborn genetic diseases. Identifiers: MedGen C0950123, MeSH D030342.

Allele frequency attached by ClinVar (database versions not stated): gnomAD exomes 0.00011 and 0.00016; gnomAD 0.00013; TOPMed 0.00013; ExAC 0.00015.
gnomAD v4.1: 190 of 1,613,786 alleles (0.012%); highest among the groups gnomAD compares: Middle Eastern, 0.12%; no homozygotes.

Submissions (3):

Labcorp Genetics (formerly Invitae), Labcorp
Classification: Uncertain significance. Last evaluated: 2022-07-20. Review status: criteria provided, single submitter. Criteria: Invitae Variant Classification Sherloc (09022015). Collection method: clinical testing. Allele origin: germline.
Comment: This sequence change replaces lysine, which is basic and polar, with glutamic acid, which is acidic and polar, at codon 498 of the C8B protein (p.Lys498Glu). This variant is present in population databases (rs200245622, gnomAD 0.2%). This variant has not been reported in the literature in individuals affected with C8B-related conditions. ClinVar contains an entry for this variant (Variation ID: 1510672). Algorithms developed to predict the effect of missense changes on protein structure and function output the following: SIFT: "Tolerated"; PolyPhen-2: "Benign"; Align-GVGD: "Class C0". The glutamic acid amino acid residue is found in multiple mammalian species, which suggests that this missense change does not adversely affect protein function. In summary, the available evidence is currently insufficient to determine the role of this variant in disease. Therefore, it has been classified as a Variant of Uncertain Significance.

Ambry Genetics
Classification: Uncertain significance for Inborn genetic diseases. Last evaluated: 2021-08-02. Review status: criteria provided, single submitter. Criteria: Ambry Variant Classification Scheme 2023. Collection method: clinical testing. Allele origin: germline.

Breakthrough Genomics
Classification: Uncertain significance. Review status: criteria provided, single submitter. Criteria: ACMG Guidelines, 2015. Collection method: not provided. Allele origin: germline. Inheritance: Autosomal recessive inheritance. Affected: yes.